The following is an entry in ClinVar:

ClinVar aggregate classification (germline): Uncertain significance. Review status: criteria provided, multiple submitters, no conflicts (2 of 4 stars). 3 submissions from 3 submitters: Uncertain significance (3). Last evaluated 2025-09-10.

Conditions:
Inborn genetic diseases. Identifiers: MedGen C0950123, MeSH D030342.
Nephronophthisis-like nephropathy 1 (NPHPL1). Identifiers: Orphanet 655, MedGen C3150419, MONDO:0013163, OMIM 613159.

Allele frequency attached by ClinVar (database versions not stated): ExAC 0.00002; gnomAD exomes 0.00003.
gnomAD v4.1: 37 of 1,614,178 alleles (0.0023%); highest among the groups gnomAD compares: Non-Finnish European, 0.0031%; no homozygotes.

Submissions (3):

Ambry Genetics
Classification: Uncertain significance for Inborn genetic diseases. Last evaluated: 2025-09-10. Review status: criteria provided, single submitter. Criteria: Ambry Variant Classification Scheme 2023. Collection method: clinical testing. Allele origin: germline.

Fulgent Genetics
Classification: Uncertain significance for Nephronophthisis-like nephropathy 1. Last evaluated: 2024-05-23. Review status: criteria provided, single submitter. Criteria: ACMG Guidelines, 2015. Collection method: clinical testing. Allele origin: germline.

Labcorp Genetics (formerly Invitae), Labcorp
Classification: Uncertain significance for Nephronophthisis-like nephropathy 1. Last evaluated: 2022-09-09. Review status: criteria provided, single submitter. Criteria: Invitae Variant Classification Sherloc (09022015). Collection method: clinical testing. Allele origin: germline.
Comment: This sequence change replaces aspartic acid, which is acidic and polar, with alanine, which is neutral and non-polar, at codon 476 of the XPNPEP3 protein (p.Asp476Ala). This variant is present in population databases (rs777080770, gnomAD 0.004%). This variant has not been reported in the literature in individuals affected with XPNPEP3-related conditions. Advanced modeling of protein sequence and biophysical properties (such as structural, functional, and spatial information, amino acid conservation, physicochemical variation, residue mobility, and thermodynamic stability) performed at Invitae indicates that this missense variant is expected to disrupt XPNPEP3 protein function. In summary, the available evidence is currently insufficient to determine the role of this variant in disease. Therefore, it has been classified as a Variant of Uncertain Significance.

NM_022098.4(XPNPEP3):c.1427A>C (p.Asp476Ala)

Gene: XPNPEP3 (X-prolyl aminopeptidase 3; plus strand). Cytogenetic location: 22q13.2.
Variant type: single nucleotide variant.
Coding change: c.1427A>C on transcript NM_022098.4 (MANE Select); coding-DNA position 1427, A replaced by C.
Protein change: p.Asp476Ala; replaces aspartic acid 476 with alanine.
Molecular consequence: missense variant.
Genome position (GRCh38, 1-based): chr22:40,926,338, A>C. VCF-style: chr22-40926338-A-C. GRCh37 (hg19) VCF-style: chr22-41322342-A-C.
Other names: c.1427A>C (NM_022098.3); short protein forms D476A.
Identifiers: ClinVar variation 1990616 (VCV001990616.6), dbSNP rs777080770, ClinGen allele CA10251952.